The following is an entry in ClinVar:

NM_000083.3(CLCN1):c.578A>C (p.Glu193Ala)

Gene: CLCN1 (chloride voltage-gated channel 1; plus strand). Cytogenetic location: 7q34.
Variant type: single nucleotide variant.
Coding change: c.578A>C on transcript NM_000083.3 (MANE Select); coding-DNA position 578, A replaced by C.
Protein change: p.Glu193Ala; replaces glutamic acid 193 with alanine.
Molecular consequence: missense variant. On other transcripts: non-coding transcript variant (1).
Genome position (GRCh38, 1-based): chr7:143,321,730, A>C. VCF-style: chr7-143321730-A-C. GRCh37 (hg19) VCF-style: chr7-143018823-A-C.
Other names: short protein forms E193A.
Identifiers: ClinVar variation 2924214 (VCV002924214.4), dbSNP rs1802442027, ClinGen allele CA369684299.

ClinVar aggregate classification (germline): Conflicting classifications of pathogenicity. Review status: criteria provided, conflicting classifications (1 of 4 stars). 2 submissions from 2 submitters: Likely pathogenic (1); Uncertain significance (1). Last evaluated 2026-04-24.

Conditions:
Congenital myotonia, autosomal dominant form (THD). Also called: THOMSEN DISEASE; Myotonia congenita autosomal dominant. Identifiers: Orphanet 614, MedGen C2936781, MONDO:0008055, OMIM 160800.
Congenital myotonia, autosomal recessive form. Also called: BECKER DISEASE; Becker Generalized Myotonia; myotonia congenita, autosomal recessive. Identifiers: Orphanet 614, MedGen C0751360, MONDO:0009715, OMIM 255700.

Allele frequency attached by ClinVar (database versions not stated): TOPMed below 0.00001.

Submissions (2):

Women's Health and Genetics/Laboratory Corporation of America, LabCorp
Classification: Uncertain significance. Last evaluated: 2026-04-24. Review status: criteria provided, single submitter. Criteria: LabCorp Variant Classification Summary - May 2015. Collection method: clinical testing. Allele origin: germline.
Comment: Variant summary: CLCN1 c.578A>C (p.Glu193Ala) results in a non-conservative amino acid change in the encoded protein sequence. Algorithms developed to predict the effect of missense changes on protein structure and function all suggest that this variant is likely to be disruptive. The variant was absent in 251482 control chromosomes. The available data on variant occurrences in the general population are insufficient to allow any conclusion about variant significance. To our knowledge, no occurrence of c.578A>C in individuals affected with CLCN1-related conditions and no experimental evidence demonstrating its impact on protein function have been reported. ClinVar contains an entry for this variant (Variation ID: 2924214). Based on the evidence outlined above, the variant was classified as uncertain significance.

Labcorp Genetics (formerly Invitae), Labcorp
Classification: Likely pathogenic for Congenital myotonia, autosomal recessive form; Congenital myotonia, autosomal dominant form. Last evaluated: 2023-03-21. Review status: criteria provided, single submitter. Criteria: Invitae Variant Classification Sherloc (09022015). Collection method: clinical testing. Allele origin: germline.
Comment: This sequence change replaces glutamic acid, which is acidic and polar, with alanine, which is neutral and non-polar, at codon 193 of the CLCN1 protein (p.Glu193Ala). This variant is not present in population databases (gnomAD no frequency). This variant has not been reported in the literature in individuals affected with CLCN1-related conditions. Advanced modeling of protein sequence and biophysical properties (such as structural, functional, and spatial information, amino acid conservation, physicochemical variation, residue mobility, and thermodynamic stability) performed at Invitae indicates that this missense variant is expected to disrupt CLCN1 protein function. This variant disrupts the p.Glu193 amino acid residue in CLCN1. Other variant(s) that disrupt this residue have been determined to be pathogenic (PMID: 12661046, 14639587; Invitae). This suggests that this residue is clinically significant, and that variants that disrupt this residue are likely to be disease-causing. In summary, the currently available evidence indicates that the variant is pathogenic, but additional data are needed to prove that conclusively. Therefore, this variant has been classified as Likely Pathogenic.

Literature cited by the submitters: PubMed 12661046 (cited by Labcorp Genetics (formerly Invitae), Labcorp); PubMed 14639587 (cited by Labcorp Genetics (formerly Invitae), Labcorp).